The following is an entry in ClinVar:

ClinVar aggregate classification (germline): Uncertain significance (1 of 4 stars; one submission).

Allele frequency attached by ClinVar (database versions not stated): gnomAD exomes 0.00003 and 0.00006; TOPMed 0.00003; gnomAD 0.00006; ExAC 0.00010.

Submission:

Labcorp Genetics (formerly Invitae), Labcorp
Classification: Uncertain significance. Last evaluated: 2025-08-29. Review status: criteria provided, single submitter. Criteria: Invitae Variant Classification Sherloc (09022015). Collection method: clinical testing. Allele origin: germline.
Comment: This sequence change replaces isoleucine, which is neutral and non-polar, with valine, which is neutral and non-polar, at codon 137 of the SRA1 protein (p.Ile137Val). This variant is present in population databases (rs200617902, gnomAD 0.05%). This variant has not been reported in the literature in individuals affected with SRA1-related conditions. ClinVar contains an entry for this variant (Variation ID: 1498410). An algorithm developed to predict the effect of missense changes on protein structure and function (PolyPhen-2) suggests that this variant is likely to be disruptive. In summary, the available evidence is currently insufficient to determine the role of this variant in disease. Therefore, it has been classified as a Variant of Uncertain Significance.

NM_001035235.4(SRA1):c.373A>G (p.Ile125Val)

Gene: SRA1 (steroid receptor RNA activator 1; minus strand). Cytogenetic location: 5q31.3.
Variant type: single nucleotide variant.
Coding change: c.373A>G on transcript NM_001035235.4 (MANE Select); coding-DNA position 373, A replaced by G.
Protein change: p.Ile125Val; replaces isoleucine 125 with valine.
Molecular consequence: missense variant. On other transcripts: non-coding transcript variant (2).
Genome position (GRCh38, 1-based): chr5:140,551,151, T>C on the plus strand (A>G on the coding strand, the complement: SRA1 is on the minus strand). VCF-style: chr5-140551151-T-C. GRCh37 (hg19) VCF-style: chr5-139930736-T-C.
Other names: c.325A>G, p.Ile109Val (NM_001253764.2); short protein forms I109V, I125V.
Identifiers: ClinVar variation 1498410 (VCV001498410.6), dbSNP rs200617902, ClinGen allele CA3440549.